The following is an entry in ClinVar:

NM_000038.6(APC):c.5000A>G (p.Asn1667Ser)

Gene: APC (APC regulator of Wnt signaling pathway; plus strand). Cytogenetic location: 5q22.2.
Variant type: single nucleotide variant.
Coding change: c.5000A>G on transcript NM_000038.6 (MANE Select); coding-DNA position 5000, A replaced by G.
Protein change: p.Asn1667Ser; replaces asparagine 1667 with serine.
Molecular consequence: missense variant.
Genome position (GRCh38, 1-based): chr5:112,840,594, A>G. VCF-style: chr5-112840594-A-G. GRCh37 (hg19) VCF-style: chr5-112176291-A-G.
Other names: c.5000A>G, p.Asn1667Ser (NM_001127510.3, NM_001354895.2); c.4946A>G, p.Asn1649Ser (NM_001127511.3); c.5054A>G, p.Asn1685Ser (NM_001354896.2); c.5030A>G, p.Asn1677Ser (NM_001354897.2); c.4925A>G, p.Asn1642Ser (NM_001354898.2); c.4916A>G, p.Asn1639Ser (NM_001354899.2); c.4877A>G, p.Asn1626Ser (NM_001354900.2); c.4823A>G, p.Asn1608Ser (NM_001354901.2); and 5 more; short protein forms N1384S, N1507S, N1642S, N1649S, N1541S, N1576S, N1639S, N1667S.
Identifiers: ClinVar variation 825363 (VCV000825363.14), dbSNP rs1580655118, ClinGen allele CA16032272.

ClinVar aggregate classification (germline): Uncertain significance. Review status: criteria provided, multiple submitters, no conflicts (2 of 4 stars). 3 submissions from 3 submitters: Uncertain significance (3). Last evaluated 2023-11-20.

Conditions:
Hereditary cancer-predisposing syndrome. Also called: Neoplastic Syndromes, Hereditary; Tumor predisposition; Hereditary neoplastic syndrome; Hereditary Cancer Syndrome. Identifiers: Orphanet 140162, MedGen C0027672, MeSH D009386, MONDO:0015356.
Familial adenomatous polyposis 1 (FAP1). Also called: POLYPOSIS, ADENOMATOUS INTESTINAL; FAMILIAL ADENOMATOUS POLYPOSIS 1, ATTENUATED. Identifiers: MedGen C2713442, MONDO:0021056, OMIM 175100. Disease mechanism: loss of function.

Submissions (3):

Quest Diagnostics Nichols Institute San Juan Capistrano
Classification: Uncertain significance. Last evaluated: 2023-11-20. Review status: criteria provided, single submitter. Criteria: Quest Diagnostics criteria. Collection method: clinical testing. Allele origin: unknown.
Comment: The APC c.5000A>G (p.Asn1667Ser) variant has not been reported in individuals with APC-related conditions in the published literature. It also has not been reported in large, multi-ethnic general populations (Genome Aggregation Database). Analysis of this variant using bioinformatics tools for the prediction of the effect of amino acid changes on protein structure and function yielded conflicting predictions that this variant is deleterious or benign. Based on the available information, we are unable to determine the clinical significance of this variant.

Labcorp Genetics (formerly Invitae), Labcorp
Classification: Uncertain significance for Familial adenomatous polyposis 1. Last evaluated: 2021-07-01. Review status: criteria provided, single submitter. Criteria: Invitae Variant Classification Sherloc (09022015). Collection method: clinical testing. Allele origin: germline.
Comment: In summary, the available evidence is currently insufficient to determine the role of this variant in disease. Therefore, it has been classified as a Variant of Uncertain Significance. Algorithms developed to predict the effect of sequence changes on RNA splicing suggest that this variant may create or strengthen a splice site. Algorithms developed to predict the effect of missense changes on protein structure and function (SIFT, PolyPhen-2, Align-GVGD) all suggest that this variant is likely to be tolerated. ClinVar contains an entry for this variant (Variation ID: 825363). This variant has not been reported in the literature in individuals affected with APC-related conditions. This variant is not present in population databases (ExAC no frequency). This sequence change replaces asparagine with serine at codon 1667 of the APC protein (p.Asn1667Ser). The asparagine residue is highly conserved and there is a small physicochemical difference between asparagine and serine.

Ambry Genetics
Classification: Uncertain significance for Hereditary cancer-predisposing syndrome. Last evaluated: 2018-11-09. Review status: criteria provided, single submitter. Criteria: Ambry Variant Classification Scheme 2023. Collection method: clinical testing. Allele origin: germline.
Comment: The p.N1667S variant (also known as c.5000A>G), located in coding exon 15 of the APC gene, results from an A to G substitution at nucleotide position 5000. The asparagine at codon 1667 is replaced by serine, an amino acid with highly similar properties. This amino acid position is well conserved in available vertebrate species. In addition, in silico predictors for this gene do not accurately predict pathogenicity. Since supporting evidence is limited at this time, the clinical significance of this alteration remains unclear.